The following is an entry in ClinVar:

NM_001261826.3(AP3D1):c.3212A>G (p.Gln1071Arg)

Gene: AP3D1 (adaptor related protein complex 3 subunit delta 1; minus strand). Cytogenetic location: 19p13.3.
Variant type: single nucleotide variant.
Coding change: c.3212A>G on transcript NM_001261826.3 (MANE Select); coding-DNA position 3212, A replaced by G.
Protein change: p.Gln1071Arg; replaces glutamine 1071 with arginine.
Molecular consequence: missense variant.
Genome position (GRCh38, 1-based): chr19:2,110,188, T>C on the plus strand (A>G on the coding strand, the complement: AP3D1 is on the minus strand). VCF-style: chr19-2110188-T-C. GRCh37 (hg19) VCF-style: chr19-2110187-T-C.
Other names: c.3176A>G, p.Gln1059Arg (NM_001374799.1); c.3026A>G, p.Gln1009Arg (NM_003938.8); short protein forms Q1071R, Q1009R, Q1059R.
Identifiers: ClinVar variation 1480690 (VCV001480690.8), dbSNP rs1048483730, ClinGen allele CA304148066.
Genomic context (GRCh38, chr19:2,110,188, plus strand): 5'-CTGCATACCTTGGCAATGAAGGACAGGGTCCCCTTGAGCTTCTGCGCCATGACGATGCTC[T>C]GGATGGTGAACACATACTGGGCTTCGTTGGAGACGCCTGGCGGGGGCGAGAGGGAGTGGG-3'
Protein context (NP_001248755.1, residues 1061-1081): SNEAQYVFTI[Gln1071Arg]SIVMAQKLKG

ClinVar aggregate classification (germline): Uncertain significance (1 of 4 stars; one submission).

Allele frequency attached by ClinVar (database versions not stated): gnomAD 0.00001; gnomAD exomes 0.00001; TOPMed 0.00001.

Submission:

Labcorp Genetics (formerly Invitae), Labcorp
Classification: Uncertain significance. Last evaluated: 2025-08-24. Review status: criteria provided, single submitter. Criteria: Invitae Variant Classification Sherloc (09022015). Collection method: clinical testing. Allele origin: germline.
Comment: This sequence change replaces glutamine, which is neutral and polar, with arginine, which is basic and polar, at codon 1071 of the AP3D1 protein (p.Gln1071Arg). This variant is not present in population databases (gnomAD no frequency). This variant has not been reported in the literature in individuals affected with AP3D1-related conditions. ClinVar contains an entry for this variant (Variation ID: 1480690). An algorithm developed to predict the effect of missense changes on protein structure and function (PolyPhen-2) suggests that this variant is likely to be tolerated. In summary, the available evidence is currently insufficient to determine the role of this variant in disease. Therefore, it has been classified as a Variant of Uncertain Significance.